The following is an entry in ClinVar:

NM_000540.3(RYR1):c.11469G>A (p.Lys3823=)

Gene: RYR1 (ryanodine receptor 1; plus strand). Cytogenetic location: 19q13.2.
Variant type: single nucleotide variant.
Coding change: c.11469G>A on transcript NM_000540.3 (MANE Select); coding-DNA position 11469, G replaced by A.
Protein change: p.Lys3823=; no amino-acid change (lysine 3823 retained).
Molecular consequence: synonymous variant.
Genome position (GRCh38, 1-based): chr19:38,535,345, G>A. VCF-style: chr19-38535345-G-A. GRCh37 (hg19) VCF-style: chr19-39025985-G-A.
Other names: c.11454G>A, p.Lys3818= (NM_001042723.2).
Identifiers: ClinVar variation 2906306 (VCV002906306.4), dbSNP rs1323309560, ClinGen allele CA507239110.

ClinVar aggregate classification (germline): Likely benign. Review status: criteria provided, multiple submitters, no conflicts (2 of 4 stars). 2 submissions from 2 submitters: Likely benign (2). Last evaluated 2023-12-13.

Conditions:
RYR1-related disorder. Also called: RYR1-related condition; RYR1-related disorders. Identifiers: MedGen CN239331.
Malignant hyperthermia, susceptibility to, 1 (MHS1). Also called: Malignant hyperthermia suceptibility 1; Anesthesia related hyperthermia; Malignant hyperpyrexia; Fulminating hyperpyrexia; Pharmacogenic myopathy; RYR1-Related Malignant Hyperthermia Susceptibility. Identifiers: Orphanet 423, MedGen C2930980, MONDO:0007783, OMIM 145600.

Allele frequency attached by ClinVar (database versions not stated): TOPMed below 0.00001; gnomAD 0.00001; gnomAD exomes 0.00001.
gnomAD v4.1: 14 of 1,614,046 alleles (0.00087%); highest among the groups gnomAD compares: Non-Finnish European, 0.0011%; no homozygotes.

Submissions (2):

All of Us Research Program, National Institutes of Health
Classification: Likely benign for Malignant hyperthermia, susceptibility to, 1. Last evaluated: 2023-12-13. Review status: criteria provided, single submitter. Criteria: ACMG Guidelines, 2015. Collection method: clinical testing. Allele origin: germline. Inheritance: Autosomal dominant inheritance. Observed: 1 variant allele, 1 heterozygote.
Comment: This study involves interpretation of variants in research participants for the purpose of population health screening. Participant phenotype was not available at the time of variant classification. Additional details can be found in publication PMID: 35346344, PMCID: PMC8962531

Labcorp Genetics (formerly Invitae), Labcorp
Classification: Likely benign for RYR1-related disorder. Last evaluated: 2023-01-18. Review status: criteria provided, single submitter. Criteria: Invitae Variant Classification Sherloc (09022015). Collection method: clinical testing. Allele origin: germline.